The following is an entry in ClinVar:

ClinVar aggregate classification (germline): Uncertain significance. Review status: criteria provided, multiple submitters, no conflicts (2 of 4 stars). 3 submissions from 3 submitters: Uncertain significance (3). Last evaluated 2025-06-02.

Conditions:
Inborn genetic diseases. Identifiers: MedGen C0950123, MeSH D030342.
Multiple congenital anomalies-hypotonia-seizures syndrome 1 (MCAHS1). Also called: GLYCOSYLPHOSPHATIDYLINOSITOL BIOSYNTHESIS DEFECT 3; PIGN-CDG; Congenital disorder of glycosylation due to PIGN deficiency. Identifiers: Orphanet 280633, MedGen C3279775, MONDO:0013563, OMIM 614080.

Allele frequency attached by ClinVar (database versions not stated): TOPMed 0.00001; gnomAD 0.00002.
gnomAD v4.1: 3 of 1,603,522 alleles (0.00019%); highest among the groups gnomAD compares: African/African-American, 0.004%; no homozygotes.

Submissions (3):

GeneDx
Classification: Uncertain significance. Last evaluated: 2025-06-02. Review status: criteria provided, single submitter. Criteria: GeneDx Variant Classification Process June 2021. Collection method: clinical testing. Allele origin: germline. Affected: yes.
Comment: Not observed at significant frequency in large population cohorts (gnomAD); In silico analysis suggests that this missense variant does not alter protein structure/function; Has not been previously published as pathogenic or benign to our knowledge

Ambry Genetics
Classification: Uncertain significance for Inborn genetic diseases. Last evaluated: 2024-04-08. Review status: criteria provided, single submitter. Criteria: Ambry Variant Classification Scheme 2023. Collection method: clinical testing. Allele origin: germline.

Labcorp Genetics (formerly Invitae), Labcorp
Classification: Uncertain significance for Multiple congenital anomalies-hypotonia-seizures syndrome 1. Last evaluated: 2024-02-09. Review status: criteria provided, single submitter. Criteria: Invitae Variant Classification Sherloc (09022015). Collection method: clinical testing. Allele origin: germline.
Comment: This sequence change replaces valine, which is neutral and non-polar, with glutamic acid, which is acidic and polar, at codon 477 of the PIGN protein (p.Val477Glu). This variant is not present in population databases (gnomAD no frequency). This variant has not been reported in the literature in individuals affected with PIGN-related conditions. ClinVar contains an entry for this variant (Variation ID: 857928). Advanced modeling of protein sequence and biophysical properties (such as structural, functional, and spatial information, amino acid conservation, physicochemical variation, residue mobility, and thermodynamic stability) performed at Invitae indicates that this missense variant is not expected to disrupt PIGN protein function with a negative predictive value of 80%. In summary, the available evidence is currently insufficient to determine the role of this variant in disease. Therefore, it has been classified as a Variant of Uncertain Significance.

NM_176787.5(PIGN):c.1430T>A (p.Val477Glu)

Gene: PIGN (phosphatidylinositol glycan anchor biosynthesis class N; minus strand). Cytogenetic location: 18q21.33.
Variant type: single nucleotide variant.
Coding change: c.1430T>A on transcript NM_176787.5 (MANE Select); coding-DNA position 1430, T replaced by A.
Protein change: p.Val477Glu; replaces valine 477 with glutamic acid.
Molecular consequence: missense variant.
Genome position (GRCh38, 1-based): chr18:62,113,138, A>T on the plus strand (T>A on the coding strand, the complement: PIGN is on the minus strand). VCF-style: chr18-62113138-A-T. GRCh37 (hg19) VCF-style: chr18-59780371-A-T.
Other names: c.1430T>A, p.Val477Glu (NM_012327.6); short protein forms V477E.
Identifiers: ClinVar variation 857928 (VCV000857928.9), dbSNP rs1375506054, ClinGen allele CA402605660.